The following is an entry in ClinVar:

NM_024642.5(GALNT12):c.884G>T (p.Arg295Met)

Gene: GALNT12 (polypeptide N-acetylgalactosaminyltransferase 12; plus strand). Cytogenetic location: 9q22.33.
Variant type: single nucleotide variant.
Coding change: c.884G>T on transcript NM_024642.5 (MANE Select); coding-DNA position 884, G replaced by T.
Protein change: p.Arg295Met; replaces arginine 295 with methionine.
Molecular consequence: missense variant.
Genome position (GRCh38, 1-based): chr9:98,831,924, G>T. VCF-style: chr9-98831924-G-T. GRCh37 (hg19) VCF-style: chr9-101594206-G-T.
Other names: short protein forms R295M.
Identifiers: ClinVar variation 2566277 (VCV002566277.2), dbSNP rs762729583, ClinGen allele CA374218317.
Genomic context (GRCh38, chr9:98,831,924, plus strand): 5'-AGATCGGCGGTTTCGACTGGAGGCTGGTGTTCACGTGGCACACAGTTCCTGAGAGGGAGA[G>T]GATACGGATGCAATCCCCCGTCGATGTCATCAGGTCAGGAGCTGACTTCTGGGTGACTTG-3'
Protein context (NP_078918.3, residues 285-305): FTWHTVPERE[Arg295Met]IRMQSPVDVI

ClinVar aggregate classification (germline): Uncertain significance (1 of 4 stars; one submission).

Submission:

Ambry Genetics
Classification: Uncertain significance. Last evaluated: 2023-05-31. Review status: criteria provided, single submitter. Criteria: Ambry Variant Classification Scheme 2023. Collection method: clinical testing. Allele origin: germline.
Comment: The p.R295M variant (also known as c.884G>T), located in coding exon 4 of the GALNT12 gene, results from a G to T substitution at nucleotide position 884. The arginine at codon 295 is replaced by methionine, an amino acid with similar properties. This amino acid position is conserved. In addition, this alteration is predicted to be tolerated by in silico analysis. Since supporting evidence is limited at this time, the clinical significance of this alteration remains unclear.